The following is an entry in ClinVar:

NM_032776.3(JMJD1C):c.326del (p.Pro109fs)

Gene: JMJD1C (jumonji domain containing 1C; minus strand). Cytogenetic location: 10q21.3.
Variant type: Deletion.
Coding change: c.326del on transcript NM_032776.3 (MANE Select); coding-DNA position 326, one base deleted (C; older notation c.326delC).
Protein change: p.Pro109fs; shifts the reading frame from proline 109.
Molecular consequence: frameshift variant. On other transcripts: 5 prime UTR variant (2).
Genome position (GRCh38, 1-based): chr10:63,380,325, G deleted on the plus strand (C on the coding strand, the reverse complement: JMJD1C is on the minus strand); the first of 2 consecutive G bases (chr10:63,380,325-63,380,326); deleting either gives the same sequence. VCF-style (leftmost placement, unchanged base first): chr10-63380324-AG-A. GRCh37 (hg19) VCF-style: chr10-65140084-AG-A.
Other names: c.-221del (NM_001318154.2); c.326del, p.Pro109fs (NM_001322252.2); c.-226del (NM_001322258.2); short protein forms P109fs.
Identifiers: ClinVar variation 804314 (VCV000804314.1), dbSNP rs1589629026, ClinGen allele CA915945926.

ClinVar aggregate classification (germline): Pathogenic (1 of 4 stars; one submission).

Submission:

GeneDx
Classification: Pathogenic. Last evaluated: 2019-11-06. Review status: criteria provided, single submitter. Criteria: GeneDx Variant Classification (06012015). Collection method: clinical testing. Allele origin: germline. Affected: yes.
Comment: The c.326delC variant in the JMJD1C gene has been observed in internal GeneDx whole exome sequencing data in association with developmental delay, seizures, hypotonia, and dysmorphic features. The c.326delC variant causes a frameshift starting with codon Proline 109, changes this amino acid to a Leucine residue and creates a premature Stop codon at position 3 of the new reading frame, denoted p.Pro109LeufsX3. This variant is predicted to cause loss of normal protein function either through protein truncation or nonsense-mediated mRNA decay. The c.326delC variant is not observed in large population cohorts (Lek et al., 2016). Therefore, we interpret c.326delC as a pathogenic variant.